The following is an entry in ClinVar:

ClinVar aggregate classification (germline): Likely pathogenic (1 of 4 stars; one submission).

Conditions:
Ventriculomegaly-cystic kidney disease. Also called: Ventriculomegaly with cystic kidney disease. Identifiers: Orphanet 443988, MedGen C1857423, MONDO:0009063, OMIM 219730.

Submission:

Clinical Genetics Laboratory, Region Ostergotland
Classification: Likely pathogenic for Ventriculomegaly-cystic kidney disease. Last evaluated: 2025-08-22. Review status: criteria provided, single submitter. Criteria: ACMG Guidelines, 2015. Collection method: clinical testing. Allele origin: germline. Affected: yes.
Comment: The NM_173689.7:c.3149del variant in gene CRB2 was found in two individuals with the same phenotype. Both also carried a second variant in trans, confirmed by parental testing. The following ACMG/AMP criteria were applied in classifying this variant: PVS1, PM2

NM_173689.7(CRB2):c.3149del (p.Pro1050fs)

Gene: CRB2 (crumbs cell polarity complex component 2; plus strand). Cytogenetic location: 9q33.3.
Variant type: Deletion.
Coding change: c.3149del on transcript NM_173689.7 (MANE Select); coding-DNA position 3149, one base deleted (C; older notation c.3149delC).
Protein change: p.Pro1050fs; shifts the reading frame from proline 1050.
Molecular consequence: frameshift variant. On other transcripts: non-coding transcript variant (1).
Genome position (GRCh38, 1-based): chr9:123,373,680, C deleted; the last of 4 consecutive C bases (chr9:123,373,677-123,373,680); deleting any one gives the same sequence. VCF-style (leftmost placement, unchanged base first): chr9-123373676-GC-G. GRCh37 (hg19) VCF-style: chr9-126135955-GC-G.
Other names: short protein forms P1050fs.
Identifiers: ClinVar variation 4294102 (VCV004294102.2).